The following is an entry in ClinVar:

NM_017636.4(TRPM4):c.1139C>T (p.Ala380Val)

Gene: TRPM4 (transient receptor potential cation channel subfamily M member 4; plus strand). Cytogenetic location: 19q13.33.
Variant type: single nucleotide variant.
Coding change: c.1139C>T on transcript NM_017636.4 (MANE Select); coding-DNA position 1139, C replaced by T.
Protein change: p.Ala380Val; replaces alanine 380 with valine.
Molecular consequence: missense variant. On other transcripts: 5 prime UTR variant (1), intron variant (1).
Genome position (GRCh38, 1-based): chr19:49,172,097, C>T. VCF-style: chr19-49172097-C-T. GRCh37 (hg19) VCF-style: chr19-49675354-C-T.
Other names: c.1139C>T, p.Ala380Val (NM_001195227.2); c.794C>T, p.Ala265Val (NM_001321281.2); c.-415C>T (NM_001321282.2); c.617C>T, p.Ala206Val (NM_001321283.2); c.201+328C>T (NM_001321285.2); short protein forms A380V, A265V, A206V.
Identifiers: ClinVar variation 618448 (VCV000618448.23), dbSNP rs150894548, ClinGen allele CA9569085.

ClinVar aggregate classification (germline): Uncertain significance. Review status: criteria provided, multiple submitters, no conflicts (2 of 4 stars). 6 submissions from 6 submitters: Uncertain significance (6). Last evaluated 2025-12-02.

Conditions:
Erythrokeratodermia variabilis et progressiva 6. Identifiers: MedGen C5193144, MONDO:0032801, OMIM 618531.
Progressive familial heart block type IB (PFHB1B). Identifiers: Orphanet 871, MedGen C1970298, MONDO:0011474, OMIM 604559.
Cardiovascular phenotype. Identifiers: MedGen CN230736.
Arrhythmogenic right ventricular cardiomyopathy (ARVD). Also called: Arrhythmogenic cardiomyopathy; Cardiomyopathy, ARVC; Arrhythmogenic right ventricular dysplasia; Arrhythmogenic Right Ventricular Cardiomyopathy (ARVC). Identifiers: Orphanet 247, MedGen C0349788, MeSH D019571, MONDO:0016587. Disease mechanism: loss of function. Inheritance: Various modes of inheritance.

Allele frequency attached by ClinVar (database versions not stated): gnomAD exomes 0.00001; ExAC 0.00002; gnomAD 0.00011; ESP Exome Variant Server 0.00015; 1000 Genomes Project 30x 0.00016; TOPMed 0.00016; 1000 Genomes Project 0.00020.
gnomAD v4.1: 29 of 1,613,240 alleles (0.0018%); highest among the groups gnomAD compares: African/African-American, 0.035%; no homozygotes.

Submissions (6):

Labcorp Genetics (formerly Invitae), Labcorp
Classification: Uncertain significance for Progressive familial heart block type IB. Last evaluated: 2025-12-02. Review status: criteria provided, single submitter. Criteria: Invitae Variant Classification Sherloc (09022015). Collection method: clinical testing. Allele origin: germline.
Comment: This sequence change replaces alanine, which is neutral and non-polar, with valine, which is neutral and non-polar, at codon 380 of the TRPM4 protein (p.Ala380Val). This variant is present in population databases (rs150894548, gnomAD 0.01%). This missense change has been observed in individual(s) with a sudden unexpected death (PMID: 30391667). ClinVar contains an entry for this variant (Variation ID: 618448). An algorithm developed to predict the effect of missense changes on protein structure and function (PolyPhen-2) suggests that this variant is likely to be disruptive. Experimental studies have shown that this missense change affects TRPM4 function (PMID: 30391667). In summary, the available evidence is currently insufficient to determine the role of this variant in disease. Therefore, it has been classified as a Variant of Uncertain Significance.

Ambry Genetics
Classification: Uncertain significance for Cardiovascular phenotype. Last evaluated: 2025-11-03. Review status: criteria provided, single submitter. Criteria: Ambry Variant Classification Scheme 2023. Collection method: clinical testing. Allele origin: germline.

GeneDx
Classification: Uncertain significance. Last evaluated: 2025-01-08. Review status: criteria provided, single submitter. Criteria: GeneDx Variant Classification Process June 2021. Collection method: clinical testing. Allele origin: germline. Affected: yes.
Comment: Identified in a case of sudden unexpected death (SUD) in published literature (PMID: 30391667); Not observed at significant frequency in large population cohorts (gnomAD); A published functional suggests that the p.(A380V) variant exhibited decreased surface RNA expression and the membrane current was rapidly desensitized following patch excision (PMID: 30391667); In silico analysis supports that this missense variant has a deleterious effect on protein structure/function; This variant is associated with the following publications: (PMID: 30391667)

Fulgent Genetics
Classification: Uncertain significance for Progressive familial heart block type IB; Erythrokeratodermia variabilis et progressiva 6. Last evaluated: 2021-08-10. Review status: criteria provided, single submitter. Criteria: ACMG Guidelines, 2015. Collection method: clinical testing. Allele origin: unknown.

Center for Advanced Laboratory Medicine, UC San Diego Health, University of California San Diego
Classification: Uncertain significance for Arrhythmogenic right ventricular cardiomyopathy. Last evaluated: 2018-01-03. Review status: criteria provided, single submitter. Criteria: ACMG Guidelines, 2015. Collection method: clinical testing. Allele origin: germline. Affected: yes. Observed: 1 variant allele.

ARUP Laboratories, Molecular Genetics and Genomics, ARUP Laboratories
Classification: Uncertain significance. Last evaluated: 2017-07-21. Review status: criteria provided, single submitter. Criteria: ARUP Molecular Germline Variant Investigation Process. Collection method: clinical testing. Allele origin: germline.
Comment: The variant p.Ala380Val (rs150894548) has not been reported in the medical literature, gene specific variation databases, nor has it been previously identified by our laboratory. This variant is listed in the Genome Aggregation Database (gnomAD) with a frequency of 0.01 percent in the African population (identified on 3 out of 23,990 chromosomes). The alanine at position 380 is highly conserved considering twelve species (Alamut v2.9.0) and computational analyses of the effects of the p.Ala380Val variant on protein structure and function provide conflicting results (SIFT: tolerated, MutationTaster: disease causing, PolyPhen-2: possibly damaging). Altogether, there is not enough evidence to classify the p.Ala380Val variant with certainty.

Literature cited by the submitters: PubMed 30391667 (cited by Labcorp Genetics (formerly Invitae), Labcorp).